The following is an entry in ClinVar:

ClinVar aggregate classification (germline): Pathogenic/Likely pathogenic. Review status: criteria provided, multiple submitters, no conflicts (2 of 4 stars). 2 submissions from 2 submitters: Pathogenic (1); Likely pathogenic (1). Last evaluated 2025-07-01.

Submissions (2):

CeGaT Center for Human Genetics Tuebingen
Classification: Likely pathogenic. Last evaluated: 2025-07-01. Review status: criteria provided, single submitter. Criteria: CeGaT Center For Human Genetics Tuebingen Variant Classification Criteria Version 2. Collection method: clinical testing. Allele origin: germline. Affected: yes. Observed: 1 variant allele.
Comment: RPGR: PVS1:Strong, PM2

Centre of Medical Genetics, University Hospital Muenster
Classification: Pathogenic. Last evaluated: 2021-09-28. Review status: criteria provided, single submitter. Criteria: ACMG Guidelines, 2015. Collection method: clinical testing. Allele origin: unknown. Affected: yes. Observed: 1 variant allele, 1 homozygote.
Comment: ACMG categories: PVS1,PM2,PP4

NM_001034853.2(RPGR):c.2454del (p.Glu818_Val819insTer)

Gene: RPGR (retinitis pigmentosa GTPase regulator; minus strand). Cytogenetic location: Xp11.4.
Variant type: Deletion.
Coding change: c.2454del on transcript NM_001034853.2 (MANE Select); coding-DNA position 2454, one base deleted (A; older notation c.2454delA).
Protein change: p.Glu818_Val819insTer.
Molecular consequence: frameshift variant. On other transcripts: intron variant (8).
Genome position (GRCh38, 1-based): chrX:38,286,545, T deleted on the plus strand (A on the coding strand, the reverse complement: RPGR is on the minus strand); the first of 2 consecutive T bases (chrX:38,286,545-38,286,546); deleting either gives the same sequence. VCF-style (leftmost placement, unchanged base first): chrX-38286544-CT-C. GRCh37 (hg19) VCF-style: chrX-38145797-CT-C.
Other names: c.1569+4414del (NM_001367249.1, NM_001367250.1); c.1902+549del (NM_001367245.1); c.1386+4414del (NM_001367251.1); c.1719+549del (NM_001367246.1); c.1572+4414del (NM_001367247.1); c.1905+549del (NM_000328.3); c.1602+4414del (NM_001367248.1).
Identifiers: ClinVar variation 1708319 (VCV001708319.11), dbSNP rs2519790827, ClinGen allele CA2580100917.